The following is an entry in ClinVar:

ClinVar aggregate classification (germline): Conflicting classifications of pathogenicity. Review status: criteria provided, conflicting classifications (1 of 4 stars). 5 submissions from 5 submitters: Uncertain significance (2); Likely benign (3). Last evaluated 2025-03-27.

Conditions:
Tuberous sclerosis 1 (TSC1). Identifiers: Orphanet 805, MedGen C1854465, MONDO:0008612, OMIM 191100.
Hereditary cancer-predisposing syndrome. Also called: Hereditary neoplastic syndrome; Neoplastic Syndromes, Hereditary; Tumor predisposition; Hereditary Cancer Syndrome. Identifiers: Orphanet 140162, MedGen C0027672, MeSH D009386, MONDO:0015356.

Allele frequency attached by ClinVar (database versions not stated): gnomAD exomes below 0.00001 and 0.00001; gnomAD 0.00001.
gnomAD v4.1: 11 of 1,614,030 alleles (0.00068%); highest among the groups gnomAD compares: Non-Finnish European, 0.00093%; no homozygotes.

Submissions (5):

Labcorp Genetics (formerly Invitae), Labcorp
Classification: Likely benign for Tuberous sclerosis 1. Last evaluated: 2025-03-27. Review status: criteria provided, single submitter. Criteria: Invitae Variant Classification Sherloc (09022015). Collection method: clinical testing. Allele origin: germline.

Ambry Genetics
Classification: Likely benign for Hereditary cancer-predisposing syndrome. Last evaluated: 2025-03-12. Review status: criteria provided, single submitter. Criteria: Ambry Variant Classification Scheme 2023. Collection method: clinical testing. Allele origin: germline.

Quest Diagnostics Nichols Institute San Juan Capistrano
Classification: Uncertain significance. Last evaluated: 2025-01-31. Review status: criteria provided, single submitter. Criteria: Quest Diagnostics criteria. Collection method: clinical testing. Allele origin: unknown.

GeneDx
Classification: Likely benign. Last evaluated: 2023-01-21. Review status: criteria provided, single submitter. Criteria: GeneDx Variant Classification Process June 2021. Collection method: clinical testing. Allele origin: germline. Affected: yes.
Comment: See Variant Classification Assertion Criteria.

Genome-Nilou Lab
Classification: Uncertain significance for Tuberous sclerosis 1. Last evaluated: 2021-11-07. Review status: criteria provided, single submitter. Criteria: ACMG Guidelines, 2015. Collection method: clinical testing. Allele origin: germline. Affected: no.

NM_000368.5(TSC1):c.2893T>A (p.Leu965Ile)

Gene: TSC1 (TSC complex subunit 1; minus strand). Cytogenetic location: 9q34.13.
Variant type: single nucleotide variant.
Coding change: c.2893T>A on transcript NM_000368.5 (MANE Select); coding-DNA position 2893, T replaced by A.
Protein change: p.Leu965Ile; replaces leucine 965 with isoleucine.
Molecular consequence: missense variant.
Genome position (GRCh38, 1-based): chr9:132,897,266, A>T on the plus strand (T>A on the coding strand, the complement: TSC1 is on the minus strand). VCF-style: chr9-132897266-A-T. GRCh37 (hg19) VCF-style: chr9-135772653-A-T.
Other names: c.2890T>A, p.Leu964Ile (NM_001162426.2); c.2740T>A, p.Leu914Ile (NM_001162427.2); c.2530T>A, p.Leu844Ile (NM_001362177.2); short protein forms L965I, L964I, L844I, L914I.
Identifiers: ClinVar variation 411266 (VCV000411266.18), dbSNP rs1060503217, ClinGen allele CA16612444.